The following is an entry in ClinVar:

NM_005883.3(APC2):c.3242G>A (p.Arg1081His)

Gene: APC2 (APC regulator of Wnt signaling pathway 2; plus strand). Cytogenetic location: 19p13.3.
Variant type: single nucleotide variant.
Coding change: c.3242G>A on transcript NM_005883.3 (MANE Select); coding-DNA position 3242, G replaced by A.
Protein change: p.Arg1081His; replaces arginine 1081 with histidine.
Molecular consequence: missense variant.
Genome position (GRCh38, 1-based): chr19:1,466,543, G>A. VCF-style: chr19-1466543-G-A. GRCh37 (hg19) VCF-style: chr19-1466542-G-A.
Other names: c.3239G>A, p.Arg1080His (NM_001351273.1); short protein forms R1081H, R1080H.
Identifiers: ClinVar variation 1999342 (VCV001999342.4), dbSNP rs1475996124, ClinGen allele CA403028986.

ClinVar aggregate classification (germline): Uncertain significance (1 of 4 stars; one submission).

gnomAD v4.1: 2 of 1,584,806 alleles (0.00013%); highest among the groups gnomAD compares: African/African-American, 0.0013%; no homozygotes.

Submission:

Labcorp Genetics (formerly Invitae), Labcorp
Classification: Uncertain significance. Last evaluated: 2022-05-27. Review status: criteria provided, single submitter. Criteria: Invitae Variant Classification Sherloc (09022015). Collection method: clinical testing. Allele origin: germline.
Comment: This sequence change replaces arginine, which is basic and polar, with histidine, which is basic and polar, at codon 1081 of the APC2 protein (p.Arg1081His). This variant is not present in population databases (gnomAD no frequency). This variant has not been reported in the literature in individuals affected with APC2-related conditions. Algorithms developed to predict the effect of missense changes on protein structure and function output the following: SIFT: "Tolerated"; PolyPhen-2: "Benign"; Align-GVGD: "Class C0". The histidine amino acid residue is found in multiple mammalian species, which suggests that this missense change does not adversely affect protein function. In summary, the available evidence is currently insufficient to determine the role of this variant in disease. Therefore, it has been classified as a Variant of Uncertain Significance.